The following is an entry in ClinVar:

NM_001374385.1(ATP8B1):c.3599G>A (p.Arg1200Gln)

Genes: ATP8B1 (ATPase phospholipid transporting 8B1; minus strand), ATP8B1-AS1 (ATP8B1 antisense RNA 1; plus strand). Cytogenetic location: 18q21.31.
Variant type: single nucleotide variant.
Coding change: c.3599G>A on transcript NM_001374385.1 (MANE Select); coding-DNA position 3599, G replaced by A.
Protein change: p.Arg1200Gln; replaces arginine 1200 with glutamine.
Molecular consequence: missense variant.
Genome position (GRCh38, 1-based): chr18:57,648,645, C>T on the plus strand (G>A on the coding strand, the complement: ATP8B1 is on the minus strand). VCF-style: chr18-57648645-C-T. GRCh37 (hg19) VCF-style: chr18-55315877-C-T.
Other names: c.3449G>A, p.Arg1150Gln (NM_001374386.1); c.3599G>A, p.Arg1200Gln (NM_005603.6); short protein forms R1150Q, R1200Q.
Identifiers: ClinVar variation 3807871 (VCV003807871.8).

ClinVar aggregate classification (germline): Uncertain significance. Review status: criteria provided, multiple submitters, no conflicts (2 of 4 stars). 2 submissions from 2 submitters: Uncertain significance (2). Last evaluated 2025-04-01.

Conditions:
Inborn genetic diseases. Identifiers: MedGen C0950123, MeSH D030342.

gnomAD v4.1: 9 of 1,592,762 alleles (0.00057%); highest among the groups gnomAD compares: East Asian, 0.0046%; no homozygotes.

Submissions (2):

CeGaT Center for Human Genetics Tuebingen
Classification: Uncertain significance. Last evaluated: 2025-04-01. Review status: criteria provided, single submitter. Criteria: CeGaT Center For Human Genetics Tuebingen Variant Classification Criteria Version 2. Collection method: clinical testing. Allele origin: germline. Affected: yes. Observed: 1 variant allele.
Comment: ATP8B1: PM2, PP2, BP4

Ambry Genetics
Classification: Uncertain significance for Inborn genetic diseases. Last evaluated: 2025-02-21. Review status: criteria provided, single submitter. Criteria: Ambry Variant Classification Scheme 2023. Collection method: clinical testing. Allele origin: germline.